The following is an entry in ClinVar:

NM_000096.4(CP):c.1978T>C (p.Phe660Leu)

Gene: CP (ceruloplasmin; minus strand). Cytogenetic location: 3q24.
Variant type: single nucleotide variant.
Coding change: c.1978T>C on transcript NM_000096.4 (MANE Select); coding-DNA position 1978, T replaced by C.
Protein change: p.Phe660Leu; replaces phenylalanine 660 with leucine.
Molecular consequence: missense variant.
Genome position (GRCh38, 1-based): chr3:149,186,619, A>G on the plus strand (T>C on the coding strand, the complement: CP is on the minus strand). VCF-style: chr3-149186619-A-G. GRCh37 (hg19) VCF-style: chr3-148904406-A-G.
Other names: short protein forms F660L.
Identifiers: ClinVar variation 3573631 (VCV003573631.1).

ClinVar aggregate classification (germline): Uncertain significance (1 of 4 stars; one submission).

gnomAD v4.1: 1 of 1,614,148 alleles (0.000062%); highest among the groups gnomAD compares: Admixed American, 0.0017%; no homozygotes.

Submission:

GeneDx
Classification: Uncertain significance. Last evaluated: 2024-07-15. Review status: criteria provided, single submitter. Criteria: GeneDx Variant Classification Process June 2021. Collection method: clinical testing. Allele origin: germline. Affected: yes.
Comment: Not observed at significant frequency in large population cohorts (gnomAD); In silico analysis supports that this missense variant has a deleterious effect on protein structure/function; Has not been previously published as pathogenic or benign to our knowledge